The following is an entry in ClinVar:

NM_001101426.4(CRPPA):c.253G>A (p.Glu85Lys)

Gene: CRPPA (CDP-L-ribitol pyrophosphorylase A; minus strand). Cytogenetic location: 7p21.2.
Variant type: single nucleotide variant.
Coding change: c.253G>A on transcript NM_001101426.4 (MANE Select); coding-DNA position 253, G replaced by A.
Protein change: p.Glu85Lys; replaces glutamic acid 85 with lysine.
Molecular consequence: missense variant. On other transcripts: non-coding transcript variant (1).
Genome position (GRCh38, 1-based): chr7:16,421,070, C>T on the plus strand (G>A on the coding strand, the complement: CRPPA is on the minus strand). VCF-style: chr7-16421070-C-T. GRCh37 (hg19) VCF-style: chr7-16460695-C-T.
Other names: c.253G>A, p.Glu85Lys (NM_001101417.4, NM_001368197.1); short protein forms E85K.
Identifiers: ClinVar variation 3773678 (VCV003773678.3).
Genomic context (GRCh38, chr7:16,421,070, plus strand): 5'-GGGGAGCGGGAGGCCGGGCCCCAGGGAACCGCGGGGCGCGCCCGGCGCCGCATTACCTCT[C>T]CAGGGCCTGTAGGGTGTAGCTGATGAGCGGCCTCTCCAGGATGGGGCAGAATTGCTTCGG-3'
Protein context (NP_001094896.1, residues 75-95): PLISYTLQAL[Glu85Lys]RVCWIKDIVV

ClinVar aggregate classification (germline): Uncertain significance. Review status: criteria provided, multiple submitters, no conflicts (2 of 4 stars). 2 submissions from 2 submitters: Uncertain significance (2). Last evaluated 2025-03-04.

Conditions:
Autosomal recessive limb-girdle muscular dystrophy type 2U. Also called: Muscular dystrophy-dystroglycanopathy (limb-girdle), type c, 7; MUSCULAR DYSTROPHY, LIMB-GIRDLE, TYPE 2U. Identifiers: Orphanet 352479, MedGen C5190987, MONDO:0014474, OMIM 616052.
Muscular dystrophy-dystroglycanopathy (congenital with brain and eye anomalies), type A, 7. Also called: WALKER-WARBURG SYNDROME OR MUSCLE-EYE-BRAIN DISEASE, ISPD-RELATED; Congenital muscular dystrophy-dystroglycanopathy with brain and eye anomalies, type A7. Identifiers: Orphanet 899, MedGen C3553330, MONDO:0013835, OMIM 614643.

gnomAD v4.1: 1 of 1,281,388 alleles (0.000078%); highest among the groups gnomAD compares: Non-Finnish European, 0.000099%; no homozygotes.

Submissions (2):

Institute of Human Genetics, University of Leipzig Medical Center
Classification: Uncertain significance for Muscular dystrophy-dystroglycanopathy (congenital with brain and eye anomalies), type A, 7. Last evaluated: 2025-03-04. Review status: criteria provided, single submitter. Criteria: ACMG Guidelines, 2015. Collection method: clinical testing. Allele origin: unknown. Affected: yes.
Comment: Criteria applied: PM1,PM2

Kariminejad - Najmabadi Pathology & Genetics Center
Classification: Uncertain significance for Autosomal recessive limb-girdle muscular dystrophy type 2U. Last evaluated: 2021-04-03. Review status: criteria provided, single submitter. Criteria: ACMG Guidelines, 2015. Collection method: clinical testing. Allele origin: germline. Inheritance: Autosomal recessive inheritance. Affected: yes.
Comment: PM2, PP3